The following is an entry in ClinVar:

ClinVar aggregate classification (germline): Uncertain significance (1 of 4 stars; one submission).

Conditions:
Combined immunodeficiency due to LRBA deficiency. Also called: Common variable immunodeficiency 8, with autoimmunity. Identifiers: Orphanet 445018, MedGen C3553512, MONDO:0013863, OMIM 614700.

Allele frequency attached by ClinVar (database versions not stated): TOPMed below 0.00001; ExAC 0.00001; gnomAD 0.00001; gnomAD exomes 0.00001; ESP Exome Variant Server 0.00008.
gnomAD v4.1: 2 of 1,612,654 alleles (0.00012%); highest among the groups gnomAD compares: South Asian, 0.0011%; no homozygotes.

Submission:

Labcorp Genetics (formerly Invitae), Labcorp
Classification: Uncertain significance for Combined immunodeficiency due to LRBA deficiency. Last evaluated: 2019-06-04. Review status: criteria provided, single submitter. Criteria: Invitae Variant Classification Sherloc (09022015). Collection method: clinical testing. Allele origin: germline.
Comment: In summary, the available evidence is currently insufficient to determine the role of this variant in disease. Therefore, it has been classified as a Variant of Uncertain Significance. Algorithms developed to predict the effect of missense changes on protein structure and function (SIFT, PolyPhen-2, Align-GVGD) all suggest that this variant is likely to be tolerated, but these predictions have not been confirmed by published functional studies and their clinical significance is uncertain. This variant has not been reported in the literature in individuals with LRBA-related conditions. The frequency data for this variant in the population databases is considered unreliable, as metrics indicate poor data quality at this position in the ExAC database. This sequence change replaces isoleucine with valine at codon 636 of the LRBA protein (p.Ile636Val). The isoleucine residue is moderately conserved and there is a small physicochemical difference between isoleucine and valine.

NM_001364905.1(LRBA):c.1906A>G (p.Ile636Val)

Gene: LRBA (LPS responsive beige-like anchor protein; minus strand). Cytogenetic location: 4q31.3.
Variant type: single nucleotide variant.
Coding change: c.1906A>G on transcript NM_001364905.1 (MANE Select); coding-DNA position 1906, A replaced by G.
Protein change: p.Ile636Val; replaces isoleucine 636 with valine.
Molecular consequence: missense variant.
Genome position (GRCh38, 1-based): chr4:150,900,067, T>C on the plus strand (A>G on the coding strand, the complement: LRBA is on the minus strand). VCF-style: chr4-150900067-T-C. GRCh37 (hg19) VCF-style: chr4-151821219-T-C.
Other names: c.1906A>G, p.Ile636Val (NM_001199282.3, NM_001367550.1, NM_006726.5); short protein forms I636V.
Identifiers: ClinVar variation 938329 (VCV000938329.9), dbSNP rs371719942, ClinGen allele CA3103448.
Genomic context (GRCh38, chr4:150,900,067, plus strand): 5'-TTTGCATTTGTGTAAAGTAATATACAGACAGAAATTATATACCTAATCCTTTTGGGGTGA[T>C]ACCACTTCGATCCTGAGGATTCACTGCCCAGTAGTAGTACTTCAGCGTGTGCATGATGAG-3'
Protein context (NP_001351834.1, residues 626-646): WAVNPQDRSG[Ile636Val]TPKGLDGPRP